The following is an entry in ClinVar:

ClinVar aggregate classification (germline): Uncertain significance (1 of 4 stars; one submission).

Allele frequency attached by ClinVar (database versions not stated): gnomAD exomes below 0.00001.
gnomAD v4.1: 1 of 1,549,006 alleles (0.000065%); highest among the groups gnomAD compares: Non-Finnish European, 0.000087%; no homozygotes.

Submission:

Labcorp Genetics (formerly Invitae), Labcorp
Classification: Uncertain significance. Last evaluated: 2023-02-02. Review status: criteria provided, single submitter. Criteria: Invitae Variant Classification Sherloc (09022015). Collection method: clinical testing. Allele origin: germline.
Comment: This sequence change replaces leucine, which is neutral and non-polar, with valine, which is neutral and non-polar, at codon 854 of the CPLANE1 protein (p.Leu854Val). This variant is not present in population databases (gnomAD no frequency). This variant has not been reported in the literature in individuals affected with CPLANE1-related conditions. ClinVar contains an entry for this variant (Variation ID: 1038909). Advanced modeling of protein sequence and biophysical properties (such as structural, functional, and spatial information, amino acid conservation, physicochemical variation, residue mobility, and thermodynamic stability) performed at Invitae indicates that this missense variant is not expected to disrupt CPLANE1 protein function. In summary, the available evidence is currently insufficient to determine the role of this variant in disease. Therefore, it has been classified as a Variant of Uncertain Significance.

NM_001384732.1(CPLANE1):c.2560C>G (p.Leu854Val)

Gene: CPLANE1 (ciliogenesis and planar polarity effector complex subunit 1; minus strand). Cytogenetic location: 5p13.2.
Variant type: single nucleotide variant.
Coding change: c.2560C>G on transcript NM_001384732.1 (MANE Select); coding-DNA position 2560, C replaced by G.
Protein change: p.Leu854Val; replaces leucine 854 with valine.
Molecular consequence: missense variant.
Genome position (GRCh38, 1-based): chr5:37,224,274, G>C on the plus strand (C>G on the coding strand, the complement: CPLANE1 is on the minus strand). VCF-style: chr5-37224274-G-C. GRCh37 (hg19) VCF-style: chr5-37224376-G-C.
Other names: c.2560C>G, p.Leu854Val (NM_023073.4); short protein forms L854V.
Identifiers: ClinVar variation 1038909 (VCV001038909.8), dbSNP rs1795987925, ClinGen allele CA359491957.